The following is an entry in ClinVar:

NM_000548.5(TSC2):c.4490C>A (p.Pro1497His)

Gene: TSC2 (TSC complex subunit 2; plus strand). Cytogenetic location: 16p13.3.
Variant type: single nucleotide variant.
Coding change: c.4490C>A on transcript NM_000548.5 (MANE Select); coding-DNA position 4490, C replaced by A.
Protein change: p.Pro1497His; replaces proline 1497 with histidine.
Molecular consequence: missense variant.
Genome position (GRCh38, 1-based): chr16:2,084,712, C>A. VCF-style: chr16-2084712-C-A. GRCh37 (hg19) VCF-style: chr16-2134713-C-A.
Other names: c.4289C>A, p.Pro1430His (NM_001077183.3); c.4421C>A, p.Pro1474His (NM_001114382.3); c.4181C>A, p.Pro1394His (NM_001318827.2); c.4145C>A, p.Pro1382His (NM_001318829.2); c.3758C>A, p.Pro1253His (NM_001318831.2); c.4322C>A, p.Pro1441His (NM_001318832.2); c.4292C>A, p.Pro1431His (NM_001363528.2); c.4358C>A, p.Pro1453His (NM_001370404.1); and 1 more; short protein forms P1474H, P1430H, P1431H, P1253H, P1382H, P1453H, P1454H, P1394H.
Identifiers: ClinVar variation 1346285 (VCV001346285.8), dbSNP rs45497997, ClinGen allele CA394302613.

ClinVar aggregate classification (germline): Uncertain significance (1 of 4 stars; one submission).

Conditions:
Tuberous sclerosis 2 (TSC2). Identifiers: Orphanet 805, MedGen C1860707, MONDO:0013199, OMIM 613254.

Submission:

Labcorp Genetics (formerly Invitae), Labcorp
Classification: Uncertain significance for Tuberous sclerosis 2. Last evaluated: 2023-06-25. Review status: criteria provided, single submitter. Criteria: Invitae Variant Classification Sherloc (09022015). Collection method: clinical testing. Allele origin: germline.
Comment: In summary, the available evidence is currently insufficient to determine the role of this variant in disease. Therefore, it has been classified as a Variant of Uncertain Significance. This variant disrupts the p.Pro1497 amino acid residue in TSC2. Other variant(s) that disrupt this residue have been determined to be pathogenic (PMID: 24271014, 28643795, 31655562). This suggests that this residue is clinically significant, and that variants that disrupt this residue are likely to be disease-causing. Advanced modeling of protein sequence and biophysical properties (such as structural, functional, and spatial information, amino acid conservation, physicochemical variation, residue mobility, and thermodynamic stability) has been performed at Invitae for this missense variant, however the output from this modeling did not meet the statistical confidence thresholds required to predict the impact of this variant on TSC2 protein function. ClinVar contains an entry for this variant (Variation ID: 1346285). This missense change has been observed in individual(s) with tuberous sclerosis complex (Invitae). This variant is not present in population databases (gnomAD no frequency). This sequence change replaces proline, which is neutral and non-polar, with histidine, which is basic and polar, at codon 1497 of the TSC2 protein (p.Pro1497His).

Literature cited by the submitters: PubMed 24271014; PubMed 28643795; PubMed 31655562.